The following is an entry in ClinVar:

ClinVar aggregate classification (germline): Uncertain significance (1 of 4 stars; one submission).

Submission:

Labcorp Genetics (formerly Invitae), Labcorp
Classification: Uncertain significance. Last evaluated: 2024-12-07. Review status: criteria provided, single submitter. Criteria: Invitae Variant Classification Sherloc (09022015). Collection method: clinical testing. Allele origin: germline.
Comment: This sequence change replaces arginine, which is basic and polar, with cysteine, which is neutral and slightly polar, at codon 18 of the CRYM protein (p.Arg18Cys). This variant is not present in population databases (gnomAD no frequency). This variant has not been reported in the literature in individuals affected with CRYM-related conditions. Invitae Evidence Modeling of protein sequence and biophysical properties (such as structural, functional, and spatial information, amino acid conservation, physicochemical variation, residue mobility, and thermodynamic stability) indicates that this missense variant is not expected to disrupt CRYM protein function with a negative predictive value of 80%. In summary, the available evidence is currently insufficient to determine the role of this variant in disease. Therefore, it has been classified as a Variant of Uncertain Significance.

NM_001376256.1(CRYM):c.52C>T (p.Arg18Cys)

Genes: CRYM (crystallin mu; minus strand), LOC130058620 (ATAC-STARR-seq lymphoblastoid active region 10553; plus strand). Cytogenetic location: 16p12.2.
Variant type: single nucleotide variant.
Coding change: c.52C>T on transcript NM_001376256.1 (MANE Select); coding-DNA position 52, C replaced by T.
Protein change: p.Arg18Cys; replaces arginine 18 with cysteine.
Molecular consequence: missense variant.
Genome position (GRCh38, 1-based): chr16:21,278,200, G>A on the plus strand (C>T on the coding strand, the complement: CRYM is on the minus strand). VCF-style: chr16-21278200-G-A. GRCh37 (hg19) VCF-style: chr16-21289521-G-A.
Other names: c.52C>T, p.Arg18Cys (NM_001888.5); short protein forms R18C.
Identifiers: ClinVar variation 3651013 (VCV003651013.2).